The following is an entry in ClinVar:

ClinVar aggregate classification (germline): Uncertain significance (1 of 4 stars; one submission).

Conditions:
Charcot-Marie-Tooth disease type 2. Also called: Charcot-Marie-Tooth type 2. Identifiers: Orphanet 64746, MedGen C0270914, MONDO:0018993.

Submission:

Labcorp Genetics (formerly Invitae), Labcorp
Classification: Uncertain significance for Charcot-Marie-Tooth disease type 2. Last evaluated: 2023-06-04. Review status: criteria provided, single submitter. Criteria: Invitae Variant Classification Sherloc (09022015). Collection method: clinical testing. Allele origin: germline.
Comment: In summary, the available evidence is currently insufficient to determine the role of this variant in disease. Therefore, it has been classified as a Variant of Uncertain Significance. Advanced modeling of protein sequence and biophysical properties (such as structural, functional, and spatial information, amino acid conservation, physicochemical variation, residue mobility, and thermodynamic stability) performed at Invitae indicates that this missense variant is not expected to disrupt GARS protein function. ClinVar contains an entry for this variant (Variation ID: 2050664). This variant has not been reported in the literature in individuals affected with GARS-related conditions. This variant is not present in population databases (gnomAD no frequency). This sequence change replaces serine, which is neutral and polar, with threonine, which is neutral and polar, at codon 606 of the GARS protein (p.Ser606Thr).

NM_002047.4(GARS1):c.1817G>C (p.Ser606Thr)

Gene: GARS1 (glycyl-tRNA synthetase 1; plus strand). Cytogenetic location: 7p14.3.
Variant type: single nucleotide variant.
Coding change: c.1817G>C on transcript NM_002047.4 (MANE Select); coding-DNA position 1817, G replaced by C.
Protein change: p.Ser606Thr; replaces serine 606 with threonine.
Molecular consequence: missense variant.
Genome position (GRCh38, 1-based): chr7:30,631,455, G>C. VCF-style: chr7-30631455-G-C. GRCh37 (hg19) VCF-style: chr7-30671071-G-C.
Other names: c.1655G>C, p.Ser552Thr (NM_001316772.1); short protein forms S552T, S606T.
Identifiers: ClinVar variation 2050664 (VCV002050664.4), dbSNP rs773316961, ClinGen allele CA367129889.